The following is an entry in ClinVar:

ClinVar aggregate classification (germline): Uncertain significance (1 of 4 stars; one submission).

Allele frequency attached by ClinVar (database versions not stated): gnomAD exomes below 0.00001.

Submission:

Labcorp Genetics (formerly Invitae), Labcorp
Classification: Uncertain significance. Last evaluated: 2024-01-21. Review status: criteria provided, single submitter. Criteria: Invitae Variant Classification Sherloc (09022015). Collection method: clinical testing. Allele origin: germline.
Comment: This sequence change replaces methionine, which is neutral and non-polar, with threonine, which is neutral and polar, at codon 1688 of the FN1 protein (p.Met1688Thr). This variant is not present in population databases (gnomAD no frequency). This variant has not been reported in the literature in individuals affected with FN1-related conditions. An algorithm developed to predict the effect of missense changes on protein structure and function (PolyPhen-2) suggests that this variant is likely to be tolerated. In summary, the available evidence is currently insufficient to determine the role of this variant in disease. Therefore, it has been classified as a Variant of Uncertain Significance.

NM_212482.4(FN1):c.5063T>C (p.Met1688Thr)

Gene: FN1 (fibronectin 1; minus strand). Cytogenetic location: 2q35.
Variant type: single nucleotide variant.
Coding change: c.5063T>C on transcript NM_212482.4 (MANE Select); coding-DNA position 5063, T replaced by C.
Protein change: p.Met1688Thr; replaces methionine 1688 with threonine.
Molecular consequence: missense variant.
Genome position (GRCh38, 1-based): chr2:215,382,313, A>G on the plus strand (T>C on the coding strand, the complement: FN1 is on the minus strand). VCF-style: chr2-215382313-A-G. GRCh37 (hg19) VCF-style: chr2-216247036-A-G.
Other names: c.4790T>C, p.Met1597Thr (NM_212476.3, NM_212478.3, NM_001306131.2 and 7 more transcripts); c.5063T>C, p.Met1688Thr (NM_001306129.2, NM_001306130.2, NM_001365517.2 and 3 more transcripts); short protein forms M1597T, M1688T.
Identifiers: ClinVar variation 2709394 (VCV002709394.3), dbSNP rs2469551862, ClinGen allele CA350476845.